The following is an entry in ClinVar:

NC_000017.10:g.(41228632_41234420)_(41234593_41242960)dup

Gene: BRCA1 (BRCA1 DNA repair associated; minus strand). Cytogenetic location: 17q21.31.
Variant type: Duplication.
Identifiers: ClinVar variation 440436 (VCV000440436.3).

ClinVar aggregate classification (germline): Pathogenic (1 of 4 stars; one submission).

Conditions:
Hereditary breast ovarian cancer syndrome. Also called: Hereditary breast and ovarian cancer; Breast and ovarian cancer; Hereditary breast and ovarian cancer syndrome; Hereditary breast and/or ovarian cancer syndrome; BRCA1- and BRCA2-Associated Hereditary Breast and Ovarian Cancer; Hereditary breast and ovarian cancer syndrome (HBOC). Identifiers: Orphanet 145, MedGen C0677776, MeSH D061325, MONDO:0003582. Disease mechanism: loss of function.

Submission:

Women's Health and Genetics/Laboratory Corporation of America, LabCorp
Classification: Pathogenic for Hereditary breast ovarian cancer syndrome. Last evaluated: 2025-03-07. Review status: criteria provided, single submitter. Criteria: LabCorp Variant Classification Summary - May 2015. Collection method: clinical testing. Allele origin: germline.
Comment: Variant summary: The variant identified by MLPA involves the duplication of exon 12 (also referred to in the literature as duplication of exon 13) in the BRCA1 gene. A presumed nomenclature of c.(4185+1_4186-1)_(4357+1_4358-1)dup has been designated for the purposes of this classification. Although the exact breakpoints are not known, this duplication is expected to result in a frameshift in the BRCA1 gene, a known mechanism of disease. The variant was absent in 21694 control chromosomes. c.(4185+1_4186-1)_(4357+1_4358-1)dup has been reported in the literature in multiple individuals affected with Hereditary Breast and Ovarian Cancer (e.g. Evans_2003, Smith_2011, Judkins_2012). To our knowledge, no experimental evidence demonstrating an impact on protein function has been reported. ClinVar contains an entry for this variant (Variation ID: 188222, 440436, 583774). Based on the evidence outlined above, the variant was classified as pathogenic.

Literature cited by the submitters: PubMed 12960223; PubMed 21281505; PubMed 22544547.